The following is an entry in ClinVar:

ClinVar aggregate classification (germline): Uncertain significance. Review status: criteria provided, multiple submitters, no conflicts (2 of 4 stars). 9 submissions from 9 submitters: Uncertain significance (8). 1 of the submissions does not count toward it. Last evaluated 2024-10-09.

Conditions:
VPS13B-related disorder. Also called: VPS13B-related condition.
Inborn genetic diseases. Identifiers: MedGen C0950123, MeSH D030342.
Cohen syndrome (COH1). Also called: PEPPER SYNDROME; Cutis verticis gyrata, retinitis pigmentosa, and sensorineural deafness. Identifiers: Orphanet 193, MedGen C0265223, MONDO:0008999, OMIM 216550.

Allele frequency attached by ClinVar (database versions not stated): TOPMed 0.00004; ExAC 0.00005; gnomAD exomes 0.00008; ESP Exome Variant Server 0.00008.
gnomAD v4.1: 214 of 1,613,620 alleles (0.013%); highest among the groups gnomAD compares: Non-Finnish European, 0.017%; no homozygotes.

Submissions (9):

Blueprint Genetics
Classification: Uncertain significance. Last evaluated: 2024-10-09. Review status: criteria provided, single submitter. Criteria: ACMG Guidelines, 2015. Collection method: clinical testing. Allele origin: germline.

Labcorp Genetics (formerly Invitae), Labcorp
Classification: Uncertain significance for Cohen syndrome. Last evaluated: 2022-08-12. Review status: criteria provided, single submitter. Criteria: Invitae Variant Classification Sherloc (09022015). Collection method: clinical testing. Allele origin: germline.
Comment: This sequence change replaces histidine, which is basic and polar, with arginine, which is basic and polar, at codon 1446 of the VPS13B protein (p.His1446Arg). This variant is present in population databases (rs371961155, gnomAD 0.01%). This variant has not been reported in the literature in individuals affected with VPS13B-related conditions. ClinVar contains an entry for this variant (Variation ID: 95854). Algorithms developed to predict the effect of missense changes on protein structure and function are either unavailable or do not agree on the potential impact of this missense change (SIFT: "Not Available"; PolyPhen-2: "Possibly Damaging"; Align-GVGD: "Not Available"). In summary, the available evidence is currently insufficient to determine the role of this variant in disease. Therefore, it has been classified as a Variant of Uncertain Significance.

Ambry Genetics
Classification: Uncertain significance for Inborn genetic diseases. Last evaluated: 2021-08-02. Review status: criteria provided, single submitter. Criteria: Ambry Variant Classification Scheme 2023. Collection method: clinical testing. Allele origin: germline.

Fulgent Genetics
Classification: Uncertain significance for Cohen syndrome. Last evaluated: 2018-10-31. Review status: criteria provided, single submitter. Criteria: ACMG Guidelines, 2015. Collection method: clinical testing. Allele origin: unknown.

CeGaT Center for Human Genetics Tuebingen
Classification: Uncertain significance. Last evaluated: 2018-07-01. Review status: criteria provided, single submitter. Criteria: CeGaT Center For Human Genetics Tuebingen Variant Classification Criteria Version 2. Collection method: clinical testing. Allele origin: germline. Affected: yes. Observed: 1 variant allele.

Illumina Laboratory Services, Illumina
Classification: Uncertain significance for Cohen syndrome. Last evaluated: 2018-01-13. Review status: criteria provided, single submitter. Criteria: ICSL Variant Classification Criteria 13 December 2019. Collection method: clinical testing. Allele origin: germline.

Genetic Services Laboratory, University of Chicago
Classification: Uncertain significance. Last evaluated: 2015-10-07. Review status: criteria provided, single submitter. Criteria: ACMG Guidelines, 2015. Collection method: clinical testing. Allele origin: germline. Affected: no.

Eurofins Ntd Llc (ga)
Classification: Uncertain significance. Last evaluated: 2013-04-24. Review status: criteria provided, single submitter. Criteria: EGL Classification Definitions 2015. Collection method: clinical testing. Allele origin: germline. Observed: 1 variant allele, 1 heterozygote.

PreventionGenetics, part of Exact Sciences
Classification: Uncertain significance for VPS13B-related condition. Last evaluated: 2024-07-01. Review status: no assertion criteria provided. Collection method: clinical testing. Allele origin: germline. Not counted in ClinVar's aggregate classification.
Comment: The VPS13B c.4262A>G variant is predicted to result in the amino acid substitution p.His1421Arg. To our knowledge, this variant has not been reported in the literature. This variant is reported in 0.013% of alleles in individuals of European (Non-Finnish) descent in gnomAD. At this time, the clinical significance of this variant is uncertain due to the absence of conclusive functional and genetic evidence.

NM_152564.5(VPS13B):c.4262A>G (p.His1421Arg)

Gene: VPS13B (vacuolar protein sorting 13 homolog B; plus strand). Cytogenetic location: 8q22.2.
Variant type: single nucleotide variant.
Coding change: c.4262A>G on transcript NM_152564.5 (MANE Select); coding-DNA position 4262, A replaced by G.
Protein change: p.His1421Arg; replaces histidine 1421 with arginine.
Molecular consequence: missense variant.
Genome position (GRCh38, 1-based): chr8:99,511,141, A>G. VCF-style: chr8-99511141-A-G. GRCh37 (hg19) VCF-style: chr8-100523369-A-G.
Other names: c.4337A>G (NM_017890.3); c.4262A>G (NM_152564.4); c.4337A>G, p.His1446Arg (NM_017890.5); short protein forms H1421R.
Identifiers: ClinVar variation 95854 (VCV000095854.88), dbSNP rs371961155, ClinGen allele CA223450.